The following is an entry in ClinVar:

NM_001458.5(FLNC):c.5776T>G (p.Tyr1926Asp)

Genes: FLNC-AS1 (FLNC antisense RNA 1; minus strand), FLNC (filamin C; plus strand). Cytogenetic location: 7q32.1.
Variant type: single nucleotide variant.
Coding change: c.5776T>G on transcript NM_001458.5 (MANE Select); coding-DNA position 5776, T replaced by G.
Protein change: p.Tyr1926Asp; replaces tyrosine 1926 with aspartic acid.
Molecular consequence: missense variant.
Genome position (GRCh38, 1-based): chr7:128,851,562, T>G. VCF-style: chr7-128851562-T-G. GRCh37 (hg19) VCF-style: chr7-128491616-T-G.
Other names: c.5677T>G, p.Tyr1893Asp (NM_001127487.2); short protein forms Y1926D, Y1893D.
Identifiers: ClinVar variation 935312 (VCV000935312.10), dbSNP rs1808814546, ClinGen allele CA369208403.

ClinVar aggregate classification (germline): Uncertain significance (1 of 4 stars; one submission).

Conditions:
Myofibrillar myopathy 5. Also called: Filaminopathy (type); FILAMINOPATHY, AUTOSOMAL DOMINANT. Identifiers: Orphanet 171445, MedGen C1836050, MONDO:0012289, OMIM 609524.
Hypertrophic cardiomyopathy 26. Also called: Cardiomyopathy, familial hypertrophic, 26. Identifiers: Orphanet 75249, MedGen C4310749, MONDO:0014883, OMIM 617047.
Distal myopathy with posterior leg and anterior hand involvement. Also called: WILLIAMS DISTAL MYOPATHY. Identifiers: Orphanet 63273, MedGen C3279722, MONDO:0013550, OMIM 614065.

Submission:

Labcorp Genetics (formerly Invitae), Labcorp
Classification: Uncertain significance for Distal myopathy with posterior leg and anterior hand involvement; Myofibrillar myopathy 5; Hypertrophic cardiomyopathy 26. Last evaluated: 2019-06-07. Review status: criteria provided, single submitter. Criteria: Invitae Variant Classification Sherloc (09022015). Collection method: clinical testing. Allele origin: germline.
Comment: This sequence change replaces tyrosine with aspartic acid at codon 1926 of the FLNC protein (p.Tyr1926Asp). The tyrosine residue is highly conserved and there is a large physicochemical difference between tyrosine and aspartic acid. This variant is not present in population databases (ExAC no frequency). This variant has not been reported in the literature in individuals with FLNC-related conditions. Algorithms developed to predict the effect of missense changes on protein structure and function are either unavailable or do not agree on the potential impact of this missense change (SIFT: "Deleterious"; PolyPhen-2: "Probably Damaging"; Align-GVGD: "Class C0"). In summary, the available evidence is currently insufficient to determine the role of this variant in disease. Therefore, it has been classified as a Variant of Uncertain Significance.